The following is an entry in ClinVar:

NM_001792.5(CDH2):c.276C>G (p.Ser92Arg)

Gene: CDH2 (cadherin 2; minus strand). Cytogenetic location: 18q12.1.
Variant type: single nucleotide variant.
Coding change: c.276C>G on transcript NM_001792.5 (MANE Select); coding-DNA position 276, C replaced by G.
Protein change: p.Ser92Arg; replaces serine 92 with arginine.
Molecular consequence: missense variant.
Genome position (GRCh38, 1-based): chr18:28,013,806, G>C on the plus strand (C>G on the coding strand, the complement: CDH2 is on the minus strand). VCF-style: chr18-28013806-G-C. GRCh37 (hg19) VCF-style: chr18-25593770-G-C.
Other names: c.183C>G, p.Ser61Arg (NM_001308176.2); short protein forms S61R, S92R.
Identifiers: ClinVar variation 1795781 (VCV001795781.7), dbSNP rs188546474, ClinGen allele CA8923735.

ClinVar aggregate classification (germline): Conflicting classifications of pathogenicity. Review status: criteria provided, conflicting classifications (1 of 4 stars). 4 submissions from 4 submitters: Uncertain significance (2); Likely benign (2). Last evaluated 2025-07-14.

Conditions:
Arrhythmogenic right ventricular cardiomyopathy (ARVD). Also called: Cardiomyopathy, ARVC; Arrhythmogenic right ventricular dysplasia; Arrhythmogenic cardiomyopathy; Arrhythmogenic Right Ventricular Cardiomyopathy (ARVC). Identifiers: Orphanet 247, MedGen C0349788, MeSH D019571, MONDO:0016587. Disease mechanism: loss of function. Inheritance: Various modes of inheritance.
Inborn genetic diseases. Identifiers: MedGen C0950123, MeSH D030342.

Allele frequency attached by ClinVar (database versions not stated): 1000 Genomes Project 30x 0.00047; 1000 Genomes Project 0.00060.

Submissions (4):

Labcorp Genetics (formerly Invitae), Labcorp
Classification: Likely benign. Last evaluated: 2025-07-14. Review status: criteria provided, single submitter. Criteria: Invitae Variant Classification Sherloc (09022015). Collection method: clinical testing. Allele origin: germline.

Blueprint Genetics
Classification: Likely benign. Last evaluated: 2024-01-03. Review status: criteria provided, single submitter. Criteria: ACMG Guidelines, 2015. Collection method: clinical testing. Allele origin: germline.

Department of Pathology and Laboratory Medicine, Sinai Health System
Classification: Uncertain significance for arrhythmogenic right ventricular cardiomyopathy. Last evaluated: 2022-08-22. Review status: criteria provided, single submitter. Criteria: ACMG Guidelines, 2015. Collection method: research. Allele origin: germline.

Ambry Genetics
Classification: Uncertain significance for Inborn genetic diseases. Last evaluated: 2021-07-07. Review status: criteria provided, single submitter. Criteria: Ambry Variant Classification Scheme 2023. Collection method: clinical testing. Allele origin: germline.
Comment: The p.S92R variant (also known as c.276C>G), located in coding exon 3 of the CDH2 gene, results from a C to G substitution at nucleotide position 276. The serine at codon 92 is replaced by arginine, an amino acid with dissimilar properties. This amino acid position is conserved. In addition, this alteration is predicted to be tolerated by in silico analysis. Since supporting evidence is limited at this time, the clinical significance of this alteration remains unclear.